The following is an entry in ClinVar:

NM_000334.4(SCN4A):c.1935C>T (p.Phe645=)

Gene: SCN4A (sodium voltage-gated channel alpha subunit 4; minus strand). Cytogenetic location: 17q23.3.
Variant type: single nucleotide variant.
Coding change: c.1935C>T on transcript NM_000334.4 (MANE Select); coding-DNA position 1935, C replaced by T.
Protein change: p.Phe645=; no amino-acid change (phenylalanine 645 retained).
Molecular consequence: synonymous variant.
Genome position (GRCh38, 1-based): chr17:63,959,349, G>A on the plus strand (C>T on the coding strand, the complement: SCN4A is on the minus strand). VCF-style: chr17-63959349-G-A. GRCh37 (hg19) VCF-style: chr17-62036709-G-A.
Identifiers: ClinVar variation 448264 (VCV000448264.14), dbSNP rs181494727, ClinGen allele CA8709705.
Genomic context (GRCh38, chr17:63,959,349, plus strand): 5'-CAGTCCCTGTACGTTGGCCAGGCCTAGCTCTACCAGGCTGAGGGTGACGATGATGCTGTC[G>A]AAGATATTCCAACCCTGCTGGAAATACTCGTAGGGGTCCATGGCAATCAGCTTCAGAACC-3'
Protein context (NP_000325.4, residues 635-655): YEYFQQGWNI[Phe645=]DSIIVTLSLV

ClinVar aggregate classification (germline): Benign/Likely benign. Review status: criteria provided, multiple submitters, no conflicts (2 of 4 stars). 5 submissions from 5 submitters: Benign (2); Likely benign (3). Last evaluated 2026-01-04.

Conditions:
Hyperkalemic periodic paralysis. Also called: Familial hyperkalemic periodic paralysis; Gamstorp disease. Identifiers: Orphanet 682, MedGen C0238357, MONDO:0008224, OMIM 170500, HP:0007215.
Hypokalemic periodic paralysis, type 1. Also called: Hypokalemic Periodic Paralysis Type 1 (AD); HypoPP. Identifiers: Orphanet 681, MedGen C3714580, MONDO:0042979, OMIM 170400.
Hypokalemic periodic paralysis, type 2 (HOKPP2). Identifiers: Orphanet 681, MedGen C2750061, MONDO:0013234, OMIM 613345.
Potassium-aggravated myotonia. Also called: MYOTONIA CONGENITA, ACETAZOLAMIDE-RESPONSIVE; MYOTONIA CONGENITA, ATYPICAL; SODIUM CHANNEL MUSCLE DISEASE; Myotonia congenita, atypical, acetazolamide-responsive. Identifiers: Orphanet 612, Orphanet 99734, Orphanet 99735, Orphanet 99736, MedGen C2931826, MONDO:0018959, OMIM 608390.
Congenital myasthenic syndrome 16. Identifiers: Orphanet 590, MedGen C3280112, MONDO:0013620, OMIM 614198.
Paramyotonia congenita of Von Eulenburg. Also called: Paramyotonia Congenita; Eulenburg disease; Myotonia congenita intermittens; Von Eulenburg paramyotonia congenita; PARALYSIS PERIODICA PARAMYOTONICA. Identifiers: Orphanet 684, MedGen C0221055, MONDO:0008195, OMIM 168300. Disease mechanism: loss of function.

Allele frequency attached by ClinVar (database versions not stated): TOPMed 0.00025; 1000 Genomes Project 0.00040; gnomAD 0.00011 and 0.00009; gnomAD exomes 0.00025 and 0.00008; 1000 Genomes Project 30x 0.00062; ExAC 0.00021.
gnomAD v4.1: 149 of 1,613,952 alleles (0.0092%); highest among the groups gnomAD compares: East Asian, 0.26%; no homozygotes.

Submissions (5):

Labcorp Genetics (formerly Invitae), Labcorp
Classification: Benign for Hyperkalemic periodic paralysis. Last evaluated: 2026-01-04. Review status: criteria provided, single submitter. Criteria: Invitae Variant Classification Sherloc (09022015). Collection method: clinical testing. Allele origin: germline.

Blueprint Genetics
Classification: Likely benign. Last evaluated: 2024-06-27. Review status: criteria provided, single submitter. Criteria: ACMG Guidelines, 2015. Collection method: clinical testing. Allele origin: germline.

Fulgent Genetics
Classification: Likely benign for Paramyotonia congenita of Von Eulenburg; Hypokalemic periodic paralysis, type 1; Hyperkalemic periodic paralysis; Potassium-aggravated myotonia; Hypokalemic periodic paralysis, type 2; Congenital myasthenic syndrome 16. Last evaluated: 2021-08-16. Review status: criteria provided, single submitter. Criteria: ACMG Guidelines, 2015. Collection method: clinical testing. Allele origin: unknown.

GeneDx
Classification: Likely benign. Last evaluated: 2017-09-25. Review status: criteria provided, single submitter. Criteria: GeneDx Variant Classification (06012015). Collection method: clinical testing. Allele origin: germline. Affected: yes.
Comment: This variant is considered likely benign or benign based on one or more of the following criteria: it is a conservative change, it occurs at a poorly conserved position in the protein, it is predicted to be benign by multiple in silico algorithms, and/or has population frequency not consistent with disease.

Athena Diagnostics
Classification: Benign. Last evaluated: 2016-09-01. Review status: criteria provided, single submitter. Criteria: Athena Diagnostics Criteria. Collection method: clinical testing. Allele origin: germline.